The following is an entry in ClinVar:

NM_001754.5(RUNX1):c.58+13T>G

Gene: RUNX1 (RUNX family transcription factor 1; minus strand). Cytogenetic location: 21q22.12.
Variant type: single nucleotide variant.
Coding change: c.58+13T>G on transcript NM_001754.5 (MANE Select); 13 bases into the intron after coding-DNA position 58, T replaced by G.
Molecular consequence: intron variant.
Genome position (GRCh38, 1-based): chr21:35,048,829, A>C on the plus strand (T>G on the coding strand, the complement: RUNX1 is on the minus strand). VCF-style: chr21-35048829-A-C. GRCh37 (hg19) VCF-style: chr21-36421126-A-C.
Identifiers: ClinVar variation 1595604 (VCV001595604.9), dbSNP rs2147041559, ClinGen allele CA2573157356.

ClinVar aggregate classification (germline): Likely benign. Review status: reviewed by expert panel (3 of 4 stars). 2 submissions from 2 submitters: Likely benign (1). 1 of the submissions does not count toward it. Last evaluated 2024-11-04.

Conditions:
Hereditary thrombocytopenia and hematologic cancer predisposition syndrome. Identifiers: Orphanet 71290, MedGen CN281654, MONDO:0011071.
Hereditary thrombocytopenia and hematological cancer predisposition syndrome associated with RUNX1. Also called: RUNX1 Familial Platelet Disorder with Associated Myeloid Malignancies; Familial Platelet Disorder with Propensity to Acute Myelogenous Leukemia; Familial thrombocytopenia with propensity to acute myelogenous leukemia; PLATELET DISORDER, ASPIRIN-LIKE. Identifiers: Orphanet 71290, MedGen C1832388, MeSH C563324, MONDO:0100083, OMIM 601399.

Allele frequency attached by ClinVar (database versions not stated): gnomAD exomes below 0.00001.
gnomAD v4.1: 1 of 1,608,660 alleles (0.000062%); highest among the groups gnomAD compares: Non-Finnish European, 0.000085%; no homozygotes.

Submissions (2):

ClinGen Myeloid Malignancy Variant Curation Expert Panel
Classification: Likely benign for Hereditary thrombocytopenia and hematologic cancer predisposition syndrome. Last evaluated: 2024-11-04. Review status: reviewed by expert panel. Criteria: ClinGen MyeloMalig ACMG Specifications v2. Collection method: curation. Allele origin: germline. Inheritance: Autosomal dominant inheritance.
Comment: NM_001754.5(RUNX1):c.58+13T>G is an intronic variant. This variant has a SpliceAI score ≤ 0.20 (0.01) and evolutionary conservation algorithms predict the site as not being conserved (PhyloP score ≤ 2.0 (0.58) (BP7). Multiple lines of computational evidence suggest no impact on gene /gene product (SpliceAI score ≤ 0.20 (0.01) (BP4). In summary, this variant meets criteria to be classified as likely benign. ACMG/AMP criteria applied, as specified by the Myeloid Malignancy Variant Curation Expert Panel for RUNX1: BP4, BP7.

Labcorp Genetics (formerly Invitae), Labcorp
Classification: Likely benign for Hereditary thrombocytopenia and hematological cancer predisposition syndrome associated with RUNX1. Last evaluated: 2022-08-10. Review status: criteria provided, single submitter. Criteria: Invitae Variant Classification Sherloc (09022015). Collection method: clinical testing. Allele origin: germline. Not counted in ClinVar's aggregate classification.